The following is an entry in ClinVar:

ClinVar aggregate classification (germline): Uncertain significance (1 of 4 stars; one submission).

Submission:

Labcorp Genetics (formerly Invitae), Labcorp
Classification: Uncertain significance. Last evaluated: 2024-07-29. Review status: criteria provided, single submitter. Criteria: Invitae Variant Classification Sherloc (09022015). Collection method: clinical testing. Allele origin: germline.
Comment: This sequence change falls in intron 24 of the RIMS1 gene. It does not directly change the encoded amino acid sequence of the RIMS1 protein. It affects a nucleotide within the consensus splice site. This variant is not present in population databases (gnomAD no frequency). This variant has not been reported in the literature in individuals affected with RIMS1-related conditions. Variants that disrupt the consensus splice site are a relatively common cause of aberrant splicing (PMID: 17576681, 9536098). Algorithms developed to predict the effect of sequence changes on RNA splicing suggest that this variant may disrupt the consensus splice site. In summary, the available evidence is currently insufficient to determine the role of this variant in disease. Therefore, it has been classified as a Variant of Uncertain Significance.

Literature cited by the submitters: PubMed 17576681; PubMed 9536098.

NM_014989.7(RIMS1):c.3554+3A>G

Gene: RIMS1 (regulating synaptic membrane exocytosis 1; plus strand). Cytogenetic location: 6q13.
Variant type: single nucleotide variant.
Coding change: c.3554+3A>G on transcript NM_014989.7 (MANE Select); 3 bases into the intron after coding-DNA position 3554, A replaced by G.
Molecular consequence: intron variant.
Genome position (GRCh38, 1-based): chr6:72,284,121, A>G. VCF-style: chr6-72284121-A-G. GRCh37 (hg19) VCF-style: chr6-72993824-A-G.
Other names: c.1631+3A>G (NM_001350428.2); c.1560-7813A>G (NM_001350459.2, NM_001350424.2); c.1641-7813A>G (NM_001350437.2); c.1628+3A>G (NM_001350430.2); c.1557-7813A>G (NM_001350421.2, NM_001350450.2); c.1707-7813A>G (NM_001350458.2); c.1784+3A>G (NM_001350433.2); c.1700+3A>G (NM_001350446.2, NM_001350442.2, NM_001350416.2 and 2 more transcripts); and 30 more.
Identifiers: ClinVar variation 3616335 (VCV003616335.2).